The following is an entry in ClinVar:

NM_032447.5(FBN3):c.6445G>A (p.Glu2149Lys)

Gene: FBN3 (fibrillin 3; minus strand). Cytogenetic location: 19p13.2.
Variant type: single nucleotide variant.
Coding change: c.6445G>A on transcript NM_032447.5 (MANE Select); coding-DNA position 6445, G replaced by A.
Protein change: p.Glu2149Lys; replaces glutamic acid 2149 with lysine.
Molecular consequence: missense variant.
Genome position (GRCh38, 1-based): chr19:8,088,111, C>T on the plus strand (G>A on the coding strand, the complement: FBN3 is on the minus strand). VCF-style: chr19-8088111-C-T. GRCh37 (hg19) VCF-style: chr19-8152995-C-T.
Other names: c.6445G>A (NM_032447.3); c.6445G>A, p.Glu2149Lys (NM_001321431.2); short protein forms E2149K.
Identifiers: ClinVar variation 2882924 (VCV002882924.4), dbSNP rs370507520, ClinGen allele CA9151289.

ClinVar aggregate classification (germline): Uncertain significance. Review status: criteria provided, multiple submitters, no conflicts (2 of 4 stars). 2 submissions from 2 submitters: Uncertain significance (2). Last evaluated 2024-08-05.

Allele frequency attached by ClinVar (database versions not stated): gnomAD 0.00001; gnomAD exomes 0.00001; ExAC 0.00002; TOPMed 0.00002; ESP Exome Variant Server 0.00008.
gnomAD v4.1: 14 of 1,613,912 alleles (0.00087%); highest among the groups gnomAD compares: South Asian, 0.0044%; no homozygotes.

Submissions (2):

Ambry Genetics
Classification: Uncertain significance. Last evaluated: 2024-08-05. Review status: criteria provided, single submitter. Criteria: Ambry Variant Classification Scheme 2023. Collection method: clinical testing. Allele origin: germline.

Labcorp Genetics (formerly Invitae), Labcorp
Classification: Uncertain significance. Last evaluated: 2023-06-23. Review status: criteria provided, single submitter. Criteria: Invitae Variant Classification Sherloc (09022015). Collection method: clinical testing. Allele origin: germline.
Comment: In summary, the available evidence is currently insufficient to determine the role of this variant in disease. Therefore, it has been classified as a Variant of Uncertain Significance. Advanced modeling of protein sequence and biophysical properties (such as structural, functional, and spatial information, amino acid conservation, physicochemical variation, residue mobility, and thermodynamic stability) performed at Invitae indicates that this missense variant is expected to disrupt FBN3 protein function. This variant has not been reported in the literature in individuals affected with FBN3-related conditions. This variant is present in population databases (rs370507520, gnomAD 0.006%). This sequence change replaces glutamic acid, which is acidic and polar, with lysine, which is basic and polar, at codon 2149 of the FBN3 protein (p.Glu2149Lys).